The following is an entry in ClinVar:

NM_024795.4(TM4SF20):c.265C>T (p.Leu89Phe)

Gene: TM4SF20 (transmembrane 4 L six family member 20; minus strand). Cytogenetic location: 2q36.3.
Variant type: single nucleotide variant.
Coding change: c.265C>T on transcript NM_024795.4 (MANE Select); coding-DNA position 265, C replaced by T.
Protein change: p.Leu89Phe; replaces leucine 89 with phenylalanine.
Molecular consequence: missense variant.
Genome position (GRCh38, 1-based): chr2:227,366,229, G>A on the plus strand (C>T on the coding strand, the complement: TM4SF20 is on the minus strand). VCF-style: chr2-227366229-G-A. GRCh37 (hg19) VCF-style: chr2-228230945-G-A.
Other names: short protein forms L89F.
Identifiers: ClinVar variation 1165948 (VCV001165948.12), dbSNP rs76547437, ClinGen allele CA2148235.

ClinVar aggregate classification (germline): Benign. Review status: criteria provided, multiple submitters, no conflicts (2 of 4 stars). 3 submissions from 3 submitters: Benign (2). 1 of the submissions does not count toward it. Last evaluated 2026-02-01.

Conditions:
TM4SF20-related disorder. Also called: TM4SF20-related condition.

Allele frequency attached by ClinVar (database versions not stated): ESP Exome Variant Server 0.11249; ExAC 0.11343; gnomAD 0.10486 and 0.10442; gnomAD exomes 0.13824 and 0.11567; 1000 Genomes Project 30x 0.07214; 1000 Genomes Project 0.07368.
gnomAD v4.1: 216,651 of 1,607,434 alleles (13%); highest among the groups gnomAD compares: Non-Finnish European, 15%; 15,548 homozygotes.

Submissions (3):

Labcorp Genetics (formerly Invitae), Labcorp
Classification: Benign. Last evaluated: 2026-02-01. Review status: criteria provided, single submitter. Criteria: Invitae Variant Classification Sherloc (09022015). Collection method: clinical testing. Allele origin: germline.

Breakthrough Genomics
Classification: Benign. Review status: criteria provided, single submitter. Criteria: ACMG Guidelines, 2015. Collection method: not provided. Allele origin: germline. Inheritance: Autosomal dominant inheritance. Affected: yes.

PreventionGenetics, part of Exact Sciences
Classification: Benign for TM4SF20-related condition. Last evaluated: 2019-11-18. Review status: no assertion criteria provided. Collection method: clinical testing. Allele origin: germline. Not counted in ClinVar's aggregate classification.
Comment: This variant is classified as benign based on ACMG/AMP sequence variant interpretation guidelines (Richards et al. 2015 PMID: 25741868, with internal and published modifications).